The following is an entry in ClinVar:

ClinVar aggregate classification (germline): Benign/Likely benign. Review status: criteria provided, multiple submitters, no conflicts (2 of 4 stars). 12 submissions from 12 submitters: Benign (1); Likely benign (6). 5 of the submissions do not count toward it. Last evaluated 2026-03-27.

Conditions:
Heterotopia, periventricular, X-linked dominant (PVNH1). Also called: PERIVENTRICULAR NODULAR HETEROTOPIA 4; HETEROTOPIA, PERIVENTRICULAR, 1; X-linked periventricular heterotopia; PERIVENTRICULAR NODULAR HETEROTOPIA 1. Identifiers: Orphanet 2149, Orphanet 82004, MedGen C1848213, MONDO:0010233, OMIM 300049.
Melnick-Needles syndrome (MNS). Also called: Melnick-Needles Syndrome (FLNA-MNS); MELNICK-NEEDLES OSTEODYSPLASTY; OSTEODYSPLASTY OF MELNICK AND NEEDLES. Identifiers: Orphanet 2484, MedGen C0025237, MONDO:0010650, OMIM 309350.
Oto-palato-digital syndrome, type II (OPD2). Also called: Otopalatodigital Syndrome, Type II; Otopalatodigital Syndrome Type 2 (FLNA-OPD2); FACIOPALATOOSSEOUS SYNDROME; OPD II SYNDROME. Identifiers: Orphanet 669, Orphanet 90652, MedGen C1844696, MONDO:0010571, OMIM 304120.
Frontometaphyseal dysplasia (FMD1). Identifiers: Orphanet 1826, MedGen C0265293, MONDO:0015942.
Familial thoracic aortic aneurysm and aortic dissection (TAAD). Also called: Thoracic aortic aneurysms and dissections. Identifiers: Orphanet 91387, MedGen C4707243, MONDO:0019625.
Connective tissue disorder. Also called: Connective tissue disease. Identifiers: MedGen C0009782, MONDO:0003900.
FLNA-related disorder.

Allele frequency attached by ClinVar (database versions not stated): TOPMed 0.00007; ESP Exome Variant Server 0.00010; gnomAD 0.00010 and 0.00011; ExAC 0.00013; gnomAD exomes 0.00013 and 0.00018.
gnomAD v4.1: 205 of 1,208,532 alleles (0.017%); highest among the groups gnomAD compares: Non-Finnish European, 0.022%; no homozygotes.

Submissions (12):

Molecular Diagnostic Laboratory for Inherited Cardiovascular Disease, Montreal Heart Institute
Classification: Likely benign. Last evaluated: 2026-03-27. Review status: criteria provided, single submitter. Criteria: ACMG Guidelines, 2015. Collection method: clinical testing. Allele origin: germline. Affected: no.
Comment: BS1;BP4

Labcorp Genetics (formerly Invitae), Labcorp
Classification: Benign for Oto-palato-digital syndrome, type II; Heterotopia, periventricular, X-linked dominant; Frontometaphyseal dysplasia; Melnick-Needles syndrome. Last evaluated: 2025-12-22. Review status: criteria provided, single submitter. Criteria: Invitae Variant Classification Sherloc (09022015). Collection method: clinical testing. Allele origin: germline.

Blueprint Genetics
Classification: Likely benign. Last evaluated: 2023-07-18. Review status: criteria provided, single submitter. Criteria: ACMG Guidelines, 2015. Collection method: clinical testing. Allele origin: germline.

GeneDx
Classification: Likely benign. Last evaluated: 2021-02-23. Review status: criteria provided, single submitter. Criteria: GeneDx Variant Classification Process June 2021. Collection method: clinical testing. Allele origin: germline. Affected: yes.

Ambry Genetics
Classification: Likely benign for Familial thoracic aortic aneurysm and aortic dissection. Last evaluated: 2020-11-02. Review status: criteria provided, single submitter. Criteria: Ambry Variant Classification Scheme 2023. Collection method: clinical testing. Allele origin: germline.

ARUP Laboratories, Molecular Genetics and Genomics, ARUP Laboratories
Classification: Likely benign. Last evaluated: 2019-05-27. Review status: criteria provided, single submitter. Criteria: ARUP Molecular Germline Variant Investigation Process. Collection method: clinical testing. Allele origin: germline.

Center for Human Genetics, Inc
Classification: Likely benign for Connective tissue disorder. Last evaluated: 2016-11-01. Review status: criteria provided, single submitter. Criteria: ACMG Guidelines, 2015. Collection method: clinical testing. Allele origin: germline. Affected: yes.

PreventionGenetics, part of Exact Sciences
Classification: Likely benign for FLNA-related condition. Last evaluated: 2020-10-22. Review status: no assertion criteria provided. Collection method: clinical testing. Allele origin: germline. Not counted in ClinVar's aggregate classification.
Comment: This variant is classified as likely benign based on ACMG/AMP sequence variant interpretation guidelines (Richards et al. 2015 PMID: 25741868, with internal and published modifications).

Clinical Genetics DNA and cytogenetics Diagnostics Lab, Erasmus MC, Erasmus Medical Center
Classification: Likely benign. Review status: no assertion criteria provided. Collection method: clinical testing. Allele origin: germline. Affected: yes. Study: VKGL Data-share Consensus. Not counted in ClinVar's aggregate classification.

Diagnostic Laboratory, Department of Genetics, University Medical Center Groningen
Classification: Likely benign. Review status: no assertion criteria provided. Collection method: clinical testing. Allele origin: germline. Affected: yes. Study: VKGL Data-share Consensus. Not counted in ClinVar's aggregate classification.

Genome Diagnostics Laboratory, University Medical Center Utrecht
Classification: Likely benign. Review status: no assertion criteria provided. Collection method: clinical testing. Allele origin: germline. Affected: yes. Study: VKGL Data-share Consensus. Not counted in ClinVar's aggregate classification.

Laboratory of Diagnostic Genome Analysis, Leiden University Medical Center (LUMC)
Classification: Likely benign. Review status: no assertion criteria provided. Collection method: clinical testing. Allele origin: germline. Affected: yes. Study: VKGL Data-share Consensus. Not counted in ClinVar's aggregate classification.

NM_001110556.2(FLNA):c.1828+3A>G

Gene: FLNA (filamin A; minus strand). Cytogenetic location: Xq28.
Variant type: single nucleotide variant.
Coding change: c.1828+3A>G on transcript NM_001110556.2 (MANE Select); 3 bases into the intron after coding-DNA position 1828, A replaced by G.
Molecular consequence: intron variant.
Genome position (GRCh38, 1-based): chrX:154,364,818, T>C on the plus strand (A>G on the coding strand, the complement: FLNA is on the minus strand). VCF-style: chrX-154364818-T-C. GRCh37 (hg19) VCF-style: chrX-153593186-T-C.
Other names: c.1828+3A>G (NM_001110556.1, NM_001456.4).
Identifiers: ClinVar variation 390718 (VCV000390718.30), dbSNP rs368041880, ClinGen allele CA10561073.
Genomic context (GRCh38, chrX:154,364,818, plus strand): 5'-TCAGGGTGGGCCGTCCTTGCCATCGTCTGTCCCCAGGTGCCCATGCTGCAGCCTCCAACT[T>C]ACCCAGCGTGCCCACGTCGTCCCCGATAGCCTCCACCACAAAGTCTGCTGACTTGCCAAC-3'